The following is an entry in ClinVar:

ClinVar aggregate classification (germline): Benign/Likely benign. Review status: criteria provided, multiple submitters, no conflicts (2 of 4 stars). 4 submissions from 4 submitters: Benign (2); Likely benign (1). 1 of the submissions does not count toward it. Last evaluated 2025-09-10.

Conditions:
POLR3B-related disorder. Also called: POLR3B-related condition; POLR3B-related disorders. Identifiers: MedGen CN378588, MONDO:0700277.
Leukodystrophy, hypomyelinating, 8, with or without oligodontia and/or hypogonadotropic hypogonadism. Also called: Endosteal sclerosis-cerebellar hypoplasia syndrome; Hypomyelinating leukodystrophy 8 with or without oligodontia and-or hypogonadotropic hypogonadism; LEUKODYSTROPHY, HYPOMYELINATING, 8, WITH HYPODONTIA AND HYPOGONADOTROPIC HYPOGONADISM. Identifiers: Orphanet 85186, Orphanet 88637, MedGen C3280644, MONDO:0013722, OMIM 614381.

Submissions (6):

Genomic Medicine Center of Excellence, King Faisal Specialist Hospital and Research Centre
Classification: Benign for Leukodystrophy, hypomyelinating, 8, with or without oligodontia and/or hypogonadotropic hypogonadism. Last evaluated: 2025-09-10. Review status: criteria provided, single submitter. Criteria: ACMG Guidelines, 2015. Collection method: clinical testing. Allele origin: germline.

Blueprint Genetics
Classification: Likely benign. Last evaluated: 2024-11-27. Review status: criteria provided, single submitter. Criteria: ACMG Guidelines, 2015. Collection method: clinical testing. Allele origin: germline.

GeneDx
Classification: Benign. Last evaluated: 2019-09-08. Review status: criteria provided, single submitter. Criteria: GeneDx Variant Classification Process June 2021. Collection method: clinical testing. Allele origin: germline. Affected: yes.

PreventionGenetics, part of Exact Sciences
Classification: Benign for POLR3B-related condition. Last evaluated: 2019-03-11. Review status: no assertion criteria provided. Collection method: clinical testing. Allele origin: germline. Not counted in ClinVar's aggregate classification.
Comment: This variant is classified as benign based on ACMG/AMP sequence variant interpretation guidelines (Richards et al. 2015 PMID: 25741868, with internal and published modifications).

Dr. Peter K. Rogan Lab, Western University
No classification provided (evidence only). Condition: Cholangiocarcinoma. Review status: no classification provided. Collection method: in vitro. Allele origin: not applicable. Functional consequence: retained intron. Not counted in ClinVar's aggregate classification.

Dr. Peter K. Rogan Lab, Western University
No classification provided (evidence only). Condition: Malignant tumor of esophagus. Review status: no classification provided. Collection method: in vitro. Allele origin: not applicable. Functional consequence: retained intron. Not counted in ClinVar's aggregate classification.

NM_018082.6(POLR3B):c.1102-4_1102-3del

Gene: POLR3B (RNA polymerase III subunit B; plus strand). Cytogenetic location: 12q23.3.
Variant type: Deletion.
Coding change: c.1102-4_1102-3del on transcript NM_018082.6 (MANE Select); 4 bases into the intron before coding-DNA position 1102 through 3 bases into the intron before coding-DNA position 1102, 2 bases deleted (TT; older notation c.1102-4_1102-3delTT).
Molecular consequence: intron variant.
Genome position (GRCh38, 1-based): chr12:106,427,193-106,427,194, TT deleted; deleting any 2 consecutive bases within chr12:106,427,180-106,427,194 gives the same sequence; the c. name uses the placement nearest the transcript's 3' end. VCF-style (leftmost placement, unchanged base first): chr12-106427179-CTT-C. GRCh37 (hg19) VCF-style: chr12-106820957-CTT-C.
Other names: NC_000012.11:g.106820971_106820972del; c.928-4_928-3del (NM_001160708.2); c.1102-4_1102-3delTT (NM_018082.5).
Identifiers: ClinVar variation 1291993 (VCV001291993.7), dbSNP rs202125845, ClinGen allele CA6761867.